The following is an entry in ClinVar:

NM_001035.3(RYR2):c.1930T>C (p.Leu644=)

Gene: RYR2 (ryanodine receptor 2; plus strand). Cytogenetic location: 1q43.
Variant type: single nucleotide variant.
Coding change: c.1930T>C on transcript NM_001035.3 (MANE Select); coding-DNA position 1930, T replaced by C.
Protein change: p.Leu644=; no amino-acid change (leucine 644 retained).
Molecular consequence: synonymous variant.
Genome position (GRCh38, 1-based): chr1:237,493,056, T>C. VCF-style: chr1-237493056-T-C. GRCh37 (hg19) VCF-style: chr1-237656356-T-C.
Other names: c.1930T>C (NM_001035.2).
Identifiers: ClinVar variation 923014 (VCV000923014.7), dbSNP rs373160383, ClinGen allele CA085913.
Genomic context (GRCh38, chr1:237,493,056, plus strand): 5'-GCAGTCCGTTCTAACCAGCATCTCATCTGTGACAATCTCCTACCAGGAAGAGACTTGTTA[T>C]TGCAGACACGTCTTGTGAACCATGTCAGCAGGTAAATTCAGACAGACAATGTCACCTGAC-3'
Protein context (NP_001026.2, residues 634-654): DNLLPGRDLL[Leu644=]QTRLVNHVSS

ClinVar aggregate classification (germline): Likely benign. Review status: criteria provided, multiple submitters, no conflicts (2 of 4 stars). 4 submissions from 4 submitters: Likely benign (4). Last evaluated 2024-10-20.

Conditions:
Cardiovascular phenotype. Identifiers: MedGen CN230736.
Catecholaminergic polymorphic ventricular tachycardia (CVPT). Also called: Catecholamine-induced polymorphic ventricular tachycardia. Identifiers: Orphanet 3286, MedGen C5574922, MONDO:0017990.
Cardiomyopathy (CMYO). Also called: Cardiomyopathies. Identifiers: Orphanet 167848, MedGen C0878544, MONDO:0004994, HP:0001638. Inheritance: Various modes of inheritance.
Catecholaminergic polymorphic ventricular tachycardia 1. Also called: VENTRICULAR TACHYCARDIA, CATECHOLAMINERGIC POLYMORPHIC, 1, WITH OR WITHOUT ATRIAL DYSFUNCTION AND/OR DILATED CARDIOMYOPATHY; RYR2-Related Catecholaminergic Polymorphic Ventricular Tachycardia; VENTRICULAR TACHYCARDIA, STRESS-INDUCED POLYMORPHIC 1. Identifiers: Orphanet 3286, MedGen C1631597, MONDO:0011484, OMIM 604772.

Allele frequency attached by ClinVar (database versions not stated): ExAC 0.00001; gnomAD 0.00001; gnomAD exomes 0.00001; TOPMed 0.00001; ESP Exome Variant Server 0.00008.
gnomAD v4.1: 4 of 1,613,498 alleles (0.00025%); highest among the groups gnomAD compares: Non-Finnish European, 0.00034%; no homozygotes.

Submissions (4):

Labcorp Genetics (formerly Invitae), Labcorp
Classification: Likely benign for Catecholaminergic polymorphic ventricular tachycardia 1. Last evaluated: 2024-10-20. Review status: criteria provided, single submitter. Criteria: Invitae Variant Classification Sherloc (09022015). Collection method: clinical testing. Allele origin: germline.

All of Us Research Program, National Institutes of Health
Classification: Likely benign for Catecholaminergic polymorphic ventricular tachycardia. Last evaluated: 2023-08-15. Review status: criteria provided, single submitter. Criteria: ACMG Guidelines, 2015. Collection method: clinical testing. Allele origin: germline. Inheritance: Autosomal dominant inheritance. Observed: 1 variant allele, 1 heterozygote.
Comment: This study involves interpretation of variants in research participants for the purpose of population health screening. Participant phenotype was not available at the time of variant classification. Additional details can be found in publication PMID: 35346344, PMCID: PMC8962531

Color Diagnostics, LLC DBA Color Health
Classification: Likely benign for Cardiomyopathy. Last evaluated: 2019-09-09. Review status: criteria provided, single submitter. Criteria: ACMG Guidelines, 2015. Collection method: clinical testing. Allele origin: germline.

Ambry Genetics
Classification: Likely benign for Cardiovascular phenotype. Last evaluated: 2019-03-02. Review status: criteria provided, single submitter. Criteria: Ambry Variant Classification Scheme 2023. Collection method: clinical testing. Allele origin: germline.